The following is an entry in ClinVar:

NM_004655.4(AXIN2):c.1563C>G (p.His521Gln)

Gene: AXIN2 (axin 2; minus strand). Cytogenetic location: 17q24.1.
Variant type: single nucleotide variant.
Coding change: c.1563C>G on transcript NM_004655.4 (MANE Select); coding-DNA position 1563, C replaced by G.
Protein change: p.His521Gln; replaces histidine 521 with glutamine.
Molecular consequence: missense variant.
Genome position (GRCh38, 1-based): chr17:65,537,473, G>C on the plus strand (C>G on the coding strand, the complement: AXIN2 is on the minus strand). VCF-style: chr17-65537473-G-C. GRCh37 (hg19) VCF-style: chr17-63533591-G-C.
Other names: c.1563C>G, p.His521Gln (NM_001363813.1); short protein forms H521Q.
Identifiers: ClinVar variation 2798025 (VCV002798025.4), dbSNP rs2144459269, ClinGen allele CA400677254.
Genomic context (GRCh38, chr17:65,537,473, plus strand): 5'-GCAGTGCACCCGCTGCGTGGCCTCCGCCTCGATCTCCTCCTTGGTCTTGGGGACGGCATG[G>C]TGGTGGATGTAGTGGTGGTGGACATGCTTCGTCGTCTGCTTGGTCACAAAGCCTTTGCCC-3'
Protein context (NP_004646.3, residues 511-531): TKHVHHHYIH[His521Gln]HAVPKTKEEI

ClinVar aggregate classification (germline): Uncertain significance. Review status: criteria provided, multiple submitters, no conflicts (2 of 4 stars). 2 submissions from 2 submitters: Uncertain significance (2). Last evaluated 2024-11-09.

Conditions:
Hereditary cancer-predisposing syndrome. Also called: Hereditary Cancer Syndrome; Neoplastic Syndromes, Hereditary; Tumor predisposition; Hereditary neoplastic syndrome. Identifiers: Orphanet 140162, MedGen C0027672, MeSH D009386, MONDO:0015356.
Oligodontia-cancer predisposition syndrome. Also called: TOOTH AGENESIS-COLORECTAL CANCER SYNDROME. Identifiers: Orphanet 300576, MedGen C1837750, MONDO:0012075, OMIM 608615. Disease mechanism: loss of function.

Allele frequency attached by ClinVar (database versions not stated): gnomAD exomes below 0.00001.
gnomAD v4.1: 1 of 1,613,948 alleles (0.000062%); highest among the groups gnomAD compares: East Asian, 0.0022%; no homozygotes.

Submissions (2):

Ambry Genetics
Classification: Uncertain significance for Hereditary cancer-predisposing syndrome. Last evaluated: 2024-11-09. Review status: criteria provided, single submitter. Criteria: Ambry Variant Classification Scheme 2023. Collection method: clinical testing. Allele origin: germline.
Comment: The p.H521Q variant (also known as c.1563C>G), located in coding exon 5 of the AXIN2 gene, results from a C to G substitution at nucleotide position 1563. The histidine at codon 521 is replaced by glutamine, an amino acid with highly similar properties. This amino acid position is conserved. In addition, the in silico prediction for this alteration is inconclusive. Based on the available evidence, the clinical significance of this variant remains unclear.

Labcorp Genetics (formerly Invitae), Labcorp
Classification: Uncertain significance for Oligodontia-cancer predisposition syndrome. Last evaluated: 2024-06-28. Review status: criteria provided, single submitter. Criteria: Invitae Variant Classification Sherloc (09022015). Collection method: clinical testing. Allele origin: germline.
Comment: This sequence change replaces histidine, which is basic and polar, with glutamine, which is neutral and polar, at codon 521 of the AXIN2 protein (p.His521Gln). This variant is not present in population databases (gnomAD no frequency). This variant has not been reported in the literature in individuals affected with AXIN2-related conditions. Advanced modeling of protein sequence and biophysical properties (such as structural, functional, and spatial information, amino acid conservation, physicochemical variation, residue mobility, and thermodynamic stability) has been performed at Invitae for this missense variant, however the output from this modeling did not meet the statistical confidence thresholds required to predict the impact of this variant on AXIN2 protein function. In summary, the available evidence is currently insufficient to determine the role of this variant in disease. Therefore, it has been classified as a Variant of Uncertain Significance.